The following is an entry in ClinVar:

ClinVar aggregate classification (germline): Likely pathogenic (1 of 4 stars; one submission).

Conditions:
Hereditary cancer-predisposing syndrome. Also called: Hereditary Cancer Syndrome; Tumor predisposition; Hereditary neoplastic syndrome; Neoplastic Syndromes, Hereditary. Identifiers: Orphanet 140162, MedGen C0027672, MeSH D009386, MONDO:0015356.
Cardiovascular phenotype. Identifiers: MedGen CN230736.

Submission:

Ambry Genetics
Classification: Likely pathogenic for Cardiovascular phenotype; Hereditary cancer-predisposing syndrome. Last evaluated: 2024-11-22. Review status: criteria provided, single submitter. Criteria: Ambry Variant Classification Scheme 2023. Collection method: clinical testing. Allele origin: germline.
Comment: The c.288+545A>G intronic variant results from an A to G substitution 545 nucleotides after coding exon 3 in the NF1 gene. This nucleotide position is well conserved in available vertebrate species. In silico splice site analysis predicts that this alteration will result in the creation or strengthening of a novel splice acceptor site. RNA studies have demonstrated that this alteration results in abnormal splicing in the set of samples tested (Ambry internal data). Based on the majority of available evidence to date, this variant is likely to be pathogenic.

NM_001042492.3(NF1):c.288+545A>G

Gene: NF1 (neurofibromin 1; plus strand). Cytogenetic location: 17q11.2.
Variant type: single nucleotide variant.
Coding change: c.288+545A>G on transcript NM_001042492.3 (MANE Select); 545 bases into the intron after coding-DNA position 288, A replaced by G.
Molecular consequence: intron variant.
Genome position (GRCh38, 1-based): chr17:31,159,638, A>G. VCF-style: chr17-31159638-A-G. GRCh37 (hg19) VCF-style: chr17-29486656-A-G.
Other names: c.288+545A>G (NM_000267.4, NM_001128147.3).
Identifiers: ClinVar variation 3404626 (VCV003404626.1).
Genomic context (GRCh38, chr17:31,159,638, plus strand): 5'-ATATGCGATAGGTATGTGGAGGAGGAGAGTACCAAACAATTATTTCTCTGGTTTCCTGTA[A>G]GTTGTTACCACAGTGTATTTCAACCATGACTTAATTTGAACTTTTTCAAGAGTATTTCTA-3'